The following is an entry in ClinVar:

NM_022132.5(MCCC2):c.1619T>A (p.Val540Asp)

Gene: MCCC2 (methylcrotonyl-CoA carboxylase subunit 2; plus strand). Cytogenetic location: 5q13.2.
Variant type: single nucleotide variant.
Coding change: c.1619T>A on transcript NM_022132.5 (MANE Select); coding-DNA position 1619, T replaced by A.
Protein change: p.Val540Asp; replaces valine 540 with aspartic acid.
Molecular consequence: missense variant.
Genome position (GRCh38, 1-based): chr5:71,656,787, T>A. VCF-style: chr5-71656787-T-A. GRCh37 (hg19) VCF-style: chr5-70952614-T-A.
Other names: c.1505T>A, p.Val502Asp (NM_001363147.1); short protein forms V540D, V502D.
Identifiers: ClinVar variation 451059 (VCV000451059.5), dbSNP rs766384881, ClinGen allele CA3298217.

ClinVar aggregate classification (germline): Uncertain significance. Review status: criteria provided, multiple submitters, no conflicts (2 of 4 stars). 3 submissions from 3 submitters: Uncertain significance (2). 1 of the submissions does not count toward it. Last evaluated 2024-06-04.

Conditions:
3-methylcrotonyl-CoA carboxylase 2 deficiency. Also called: METHYLCROTONYLGLYCINURIA, TYPE II; 3 alpha methylcrotonyl-CoA carboxylase 2 deficiency; 3 alpha methylcrotonylglycinuria 2; MCC 2 deficiency; Methylcrotonylglycinuria type 2. Identifiers: Orphanet 6, MedGen C1859499, MONDO:0008862, OMIM 210210.

Allele frequency attached by ClinVar (database versions not stated): gnomAD exomes below 0.00001 and 0.00001; ExAC 0.00002.
gnomAD v4.1: 4 of 1,614,188 alleles (0.00025%); highest among the groups gnomAD compares: Admixed American, 0.005%; no homozygotes.

Submissions (3):

Labcorp Genetics (formerly Invitae), Labcorp
Classification: Uncertain significance for 3-methylcrotonyl-CoA carboxylase 2 deficiency. Last evaluated: 2024-06-04. Review status: criteria provided, single submitter. Criteria: Invitae Variant Classification Sherloc (09022015). Collection method: clinical testing. Allele origin: germline.
Comment: This sequence change replaces valine, which is neutral and non-polar, with aspartic acid, which is acidic and polar, at codon 540 of the MCCC2 protein (p.Val540Asp). This variant is present in population databases (rs766384881, gnomAD 0.009%). This variant has not been reported in the literature in individuals affected with MCCC2-related conditions. ClinVar contains an entry for this variant (Variation ID: 451059). Advanced modeling of protein sequence and biophysical properties (such as structural, functional, and spatial information, amino acid conservation, physicochemical variation, residue mobility, and thermodynamic stability) performed at Invitae indicates that this missense variant is expected to disrupt MCCC2 protein function with a positive predictive value of 80%. In summary, the available evidence is currently insufficient to determine the role of this variant in disease. Therefore, it has been classified as a Variant of Uncertain Significance.

GeneDx
Classification: Uncertain significance. Last evaluated: 2017-08-01. Review status: criteria provided, single submitter. Criteria: GeneDx Variant Classification (06012015). Collection method: clinical testing. Allele origin: germline. Affected: yes.
Comment: The V540D variant has not been published as a pathogenic variant, nor has it been reported as a benign variant to our knowledge. The V540D variant is not observed at a significant frequency in large population cohorts (Lek et al., 2016; 1000 Genomes Consortium et al., 2015; Exome Variant Server). The V540D variant is a non-conservative amino acid substitution, which is likely to impact secondary protein structure as these residues differ in polarity, charge, size and/or other properties. This substitution occurs at a position that is conserved across species. In silico analysis predicts this variant is probably damaging to the protein structure/function. In summary, based on the currently available information, it is unclear whether the V540D variant is a pathogenic variant or a rare benign variant.

Natera, Inc.
Classification: Uncertain significance for 3-methylcrotonyl-CoA carboxylase 2 deficiency. Last evaluated: 2021-01-26. Review status: no assertion criteria provided. Collection method: clinical testing. Allele origin: germline. Not counted in ClinVar's aggregate classification.